The following is an entry in ClinVar:

ClinVar aggregate classification (germline): Pathogenic (1 of 4 stars; one submission).

Conditions:
Fanconi anemia (FA). Also called: Fanconi's anemia. Identifiers: Orphanet 84, MedGen C0015625, MeSH D005199, MONDO:0019391.

Submission:

Labcorp Genetics (formerly Invitae), Labcorp
Classification: Pathogenic for Fanconi anemia. Last evaluated: 2023-08-04. Review status: criteria provided, single submitter. Criteria: Invitae Variant Classification Sherloc (09022015). Collection method: clinical testing. Allele origin: germline.
Comment: For these reasons, this variant has been classified as Pathogenic. ClinVar contains an entry for this variant (Variation ID: 1073415). This variant has not been reported in the literature in individuals affected with SLX4-related conditions. This variant is not present in population databases (gnomAD no frequency). This sequence change creates a premature translational stop signal (p.Glu1094Aspfs*22) in the SLX4 gene. It is expected to result in an absent or disrupted protein product. Loss-of-function variants in SLX4 are known to be pathogenic (PMID: 21240277).

Literature cited by the submitters: PubMed 21240277.

NM_032444.4(SLX4):c.3282del (p.Glu1094fs)

Gene: SLX4 (SLX4 structure-specific endonuclease subunit; minus strand). Cytogenetic location: 16p13.3.
Variant type: Deletion.
Coding change: c.3282del on transcript NM_032444.4 (MANE Select); coding-DNA position 3282, one base deleted (G; older notation c.3282delG).
Protein change: p.Glu1094fs; shifts the reading frame from glutamic acid 1094.
Molecular consequence: frameshift variant.
Genome position (GRCh38, 1-based): chr16:3,590,356, C deleted on the plus strand (G on the coding strand, the reverse complement: SLX4 is on the minus strand). VCF-style (leftmost placement, unchanged base first): chr16-3590355-GC-G. GRCh37 (hg19) VCF-style: chr16-3640356-GC-G.
Other names: short protein forms E1094fs.
Identifiers: ClinVar variation 1073415 (VCV001073415.7), dbSNP rs2151123906, ClinGen allele CA2499223516.